The following is an entry in ClinVar:

NM_003737.4(DCHS1):c.7207C>T (p.Arg2403Trp)

Gene: DCHS1 (dachsous cadherin-related 1; minus strand). Cytogenetic location: 11p15.4.
Variant type: single nucleotide variant.
Coding change: c.7207C>T on transcript NM_003737.4 (MANE Select); coding-DNA position 7207, C replaced by T.
Protein change: p.Arg2403Trp; replaces arginine 2403 with tryptophan.
Molecular consequence: missense variant.
Genome position (GRCh38, 1-based): chr11:6,624,808, G>A on the plus strand (C>T on the coding strand, the complement: DCHS1 is on the minus strand). VCF-style: chr11-6624808-G-A. GRCh37 (hg19) VCF-style: chr11-6646039-G-A.
Other names: c.7207C>T (NM_003737.2); short protein forms R2403W.
Identifiers: ClinVar variation 1205797 (VCV001205797.11), dbSNP rs141901540, ClinGen allele CA5859656.

ClinVar aggregate classification (germline): Conflicting classifications of pathogenicity. Review status: criteria provided, conflicting classifications (1 of 4 stars). 4 submissions from 4 submitters: Uncertain significance (3); Likely benign (1). Last evaluated 2026-02-04.

Conditions:
Inborn genetic diseases. Identifiers: MedGen C0950123, MeSH D030342.
DCHS1-related disorder. Also called: DCHS1-related condition.

Allele frequency attached by ClinVar (database versions not stated): ESP Exome Variant Server 0.00023; TOPMed 0.00031.
gnomAD v4.1: 784 of 1,613,772 alleles (0.049%); highest among the groups gnomAD compares: Non-Finnish European, 0.063%; 1 homozygote.

Submissions (4):

Labcorp Genetics (formerly Invitae), Labcorp
Classification: Likely benign. Last evaluated: 2026-02-04. Review status: criteria provided, single submitter. Criteria: Invitae Variant Classification Sherloc (09022015). Collection method: clinical testing. Allele origin: germline.

PreventionGenetics, part of Exact Sciences
Classification: Uncertain significance for DCHS1-related condition. Last evaluated: 2023-05-22. Review status: criteria provided, single submitter. Criteria: ACMG Guidelines, 2015. Collection method: clinical testing. Allele origin: germline.
Comment: The DCHS1 c.7207C>T variant is predicted to result in the amino acid substitution p.Arg2403Trp. To our knowledge, this variant has not been reported in the literature. This variant is reported in 0.082% of alleles in individuals of European (Non-Finnish) descent in gnomAD. In ClinVar, this variant is interpreted as uncertain. Although we suspect that this variant may be benign, at this time, the clinical significance of this variant is uncertain due to the absence of conclusive functional and genetic evidence.

Ambry Genetics
Classification: Uncertain significance for Inborn genetic diseases. Last evaluated: 2021-09-30. Review status: criteria provided, single submitter. Criteria: Ambry Variant Classification Scheme 2023. Collection method: clinical testing. Allele origin: germline.

GeneDx
Classification: Uncertain significance. Last evaluated: 2021-01-14. Review status: criteria provided, single submitter. Criteria: GeneDx Variant Classification Process June 2021. Collection method: clinical testing. Allele origin: germline. Affected: yes.
Comment: In silico analysis supports that this missense variant has a deleterious effect on protein structure/function; Has not been previously published as pathogenic or benign to our knowledge